The following is an entry in ClinVar:

ClinVar aggregate classification (germline): Uncertain significance (1 of 4 stars; one submission).

Conditions:
Familial hypocalciuric hypercalcemia (FHH). Also called: Familial benign hypercalcemia. Identifiers: Orphanet 405, MedGen C1809471, MONDO:0018458.
Autosomal dominant hypocalcemia 1 (HYPOC1). Also called: HYPOCALCEMIA, FAMILIAL. Identifiers: MedGen C3715128, MONDO:0011013, OMIM 601198.

Submission:

Labcorp Genetics (formerly Invitae), Labcorp
Classification: Uncertain significance for Familial hypocalciuric hypercalcemia; Autosomal dominant hypocalcemia 1. Last evaluated: 2023-02-23. Review status: criteria provided, single submitter. Criteria: Invitae Variant Classification Sherloc (09022015). Collection method: clinical testing. Allele origin: germline.
Comment: This missense change has been observed in individual(s) with clinical features of hypocalciuric hypercalcemia (PMID: 26963950). This variant is not present in population databases (gnomAD no frequency). This sequence change replaces leucine, which is neutral and non-polar, with proline, which is neutral and non-polar, at codon 861 of the CASR protein (p.Leu861Pro). An algorithm developed to predict the effect of missense changes on protein structure and function (PolyPhen-2) suggests that this variant is likely to be disruptive. In summary, the available evidence is currently insufficient to determine the role of this variant in disease. Therefore, it has been classified as a Variant of Uncertain Significance.

Literature cited by the submitters: PubMed 26963950.

NM_000388.4(CASR):c.2582T>C (p.Leu861Pro)

Gene: CASR (calcium sensing receptor; plus strand). Cytogenetic location: 3q21.1.
Variant type: single nucleotide variant.
Coding change: c.2582T>C on transcript NM_000388.4 (MANE Select); coding-DNA position 2582, T replaced by C.
Protein change: p.Leu861Pro; replaces leucine 861 with proline.
Molecular consequence: missense variant.
Genome position (GRCh38, 1-based): chr3:122,284,536, T>C. VCF-style: chr3-122284536-T-C. GRCh37 (hg19) VCF-style: chr3-122003383-T-C.
Other names: c.2612T>C, p.Leu871Pro (NM_001178065.2); short protein forms L861P, L871P.
Identifiers: ClinVar variation 2925369 (VCV002925369.3), dbSNP rs2473280832, ClinGen allele CA354160341.
Genomic context (GRCh38, chr3:122,284,536, plus strand): 5'-TCCTGGCAGCCAGCTTTGGCTTGCTGGCGTGCATCTTCTTCAACAAGATCTACATCATTC[T>C]CTTCAAGCCATCCCGCAACACCATCGAGGAGGTGCGTTGCAGCACCGCAGCTCACGCTTT-3'
Protein context (NP_000379.3, residues 851-871): CIFFNKIYII[Leu861Pro]FKPSRNTIEE